The following is an entry in ClinVar:

ClinVar aggregate classification (germline): Likely benign (1 of 4 stars; one submission).

Allele frequency attached by ClinVar (database versions not stated): 1000 Genomes Project 30x 0.00016; gnomAD 0.00021; ESP Exome Variant Server 0.00024; TOPMed 0.00025; ExAC 0.00026; gnomAD exomes 0.00048.
gnomAD v4.1: 726 of 1,613,154 alleles (0.045%); highest among the groups gnomAD compares: Non-Finnish European, 0.052%; 2 homozygotes.

Submission:

CeGaT Center for Human Genetics Tuebingen
Classification: Likely benign. Last evaluated: 2024-03-01. Review status: criteria provided, single submitter. Criteria: CeGaT Center For Human Genetics Tuebingen Variant Classification Criteria Version 2. Collection method: clinical testing. Allele origin: germline. Affected: yes. Observed: 2 variant alleles.
Comment: NOS1: PP2, BS2

NM_000620.5(NOS1):c.784T>G (p.Phe262Val)

Gene: NOS1 (nitric oxide synthase 1; minus strand). Cytogenetic location: 12q24.22.
Variant type: single nucleotide variant.
Coding change: c.784T>G on transcript NM_000620.5 (MANE Select); coding-DNA position 784, T replaced by G.
Protein change: p.Phe262Val; replaces phenylalanine 262 with valine.
Molecular consequence: missense variant.
Genome position (GRCh38, 1-based): chr12:117,311,534, A>C on the plus strand (T>G on the coding strand, the complement: NOS1 is on the minus strand). VCF-style: chr12-117311534-A-C. GRCh37 (hg19) VCF-style: chr12-117749339-A-C.
Other names: c.784T>G, p.Phe262Val (NM_001204218.2); short protein forms F262V.
Identifiers: ClinVar variation 2570851 (VCV002570851.27), dbSNP rs200602438, ClinGen allele CA6815340.